The following is an entry in ClinVar:

ClinVar aggregate classification (germline): Pathogenic (1 of 4 stars; one submission).

Conditions:
Neurofibromatosis, type 1 (NF1). Also called: Neurofibromatosis, type I; VON RECKLINGHAUSEN DISEASE; NEUROFIBROMATOSIS, TYPE I, SOMATIC; Peripheral type neurofibromatosis. Identifiers: Orphanet 636, MedGen C0027831, MONDO:0018975, OMIM 162200. Disease mechanism: loss of function.

Submission:

Labcorp Genetics (formerly Invitae), Labcorp
Classification: Pathogenic for Neurofibromatosis, type 1. Last evaluated: 2021-09-26. Review status: criteria provided, single submitter. Criteria: Invitae Variant Classification Sherloc (09022015). Collection method: clinical testing. Allele origin: germline.
Comment: For these reasons, this variant has been classified as Pathogenic. This variant has not been reported in the literature in individuals affected with NF1-related conditions. This variant is not present in population databases (ExAC no frequency). This sequence change creates a premature translational stop signal (p.Gly802Alafs*19) in the NF1 gene. It is expected to result in an absent or disrupted protein product. Loss-of-function variants in NF1 are known to be pathogenic (PMID: 10712197, 23913538).

Literature cited by the submitters: PubMed 10712197; PubMed 23913538.

NM_001042492.3(NF1):c.2405del (p.Gly802fs)

Gene: NF1 (neurofibromin 1; plus strand). Cytogenetic location: 17q11.2.
Variant type: Deletion.
Coding change: c.2405del on transcript NM_001042492.3 (MANE Select); coding-DNA position 2405, one base deleted (G; older notation c.2405delG).
Protein change: p.Gly802fs; shifts the reading frame from glycine 802.
Molecular consequence: frameshift variant.
Genome position (GRCh38, 1-based): chr17:31,227,602, G deleted; the last of 2 consecutive G bases (chr17:31,227,601-31,227,602); deleting either gives the same sequence. VCF-style (leftmost placement, unchanged base first): chr17-31227600-TG-T. GRCh37 (hg19) VCF-style: chr17-29554618-TG-T.
Other names: c.2405delG, p.Gly802Alafs (NM_000267.4); short protein forms G802fs.
Identifiers: ClinVar variation 1453273 (VCV001453273.6), dbSNP rs2151427620, ClinGen allele CA2573153293.